The following is an entry in ClinVar:

ClinVar aggregate classification (germline): Uncertain significance. Review status: criteria provided, multiple submitters, no conflicts (2 of 4 stars). 5 submissions from 4 submitters: Uncertain significance (5). Last evaluated 2025-07-31.

Conditions:
Inborn genetic diseases. Identifiers: MedGen C0950123, MeSH D030342.
Ectopia lentis 2, isolated, autosomal recessive (ECTOL2). Identifiers: Orphanet 1885, MedGen C3541474, MONDO:0009152, OMIM 225100.
Ectopia lentis et pupillae. Also called: ECTOPIA LENTIS WITH ECTOPIA OF PUPIL. Identifiers: Orphanet 1885, MedGen C1644196, MONDO:0009153, OMIM 225200.

Allele frequency attached by ClinVar (database versions not stated): ExAC 0.00007; ESP Exome Variant Server 0.00008; gnomAD exomes 0.00008 and 0.00015; TOPMed 0.00010; gnomAD 0.00012.

Submissions (5):

Ambry Genetics
Classification: Uncertain significance for Inborn genetic diseases. Last evaluated: 2025-07-31. Review status: criteria provided, single submitter. Criteria: Ambry Variant Classification Scheme 2023. Collection method: clinical testing. Allele origin: germline.

Genome-Nilou Lab
Classification: Uncertain significance for Ectopia lentis et pupillae. Last evaluated: 2023-04-11. Review status: criteria provided, single submitter. Criteria: ACMG Guidelines, 2015. Collection method: clinical testing. Allele origin: germline. Affected: no.

Genome-Nilou Lab
Classification: Uncertain significance for Ectopia lentis 2, isolated, autosomal recessive. Last evaluated: 2023-04-11. Review status: criteria provided, single submitter. Criteria: ACMG Guidelines, 2015. Collection method: clinical testing. Allele origin: germline. Affected: no.

Labcorp Genetics (formerly Invitae), Labcorp
Classification: Uncertain significance. Last evaluated: 2022-10-17. Review status: criteria provided, single submitter. Criteria: Invitae Variant Classification Sherloc (09022015). Collection method: clinical testing. Allele origin: germline.
Comment: This sequence change replaces arginine, which is basic and polar, with cysteine, which is neutral and slightly polar, at codon 172 of the ADAMTSL4 protein (p.Arg172Cys). This variant is present in population databases (rs375564357, gnomAD 0.01%). This variant has not been reported in the literature in individuals affected with ADAMTSL4-related conditions. ClinVar contains an entry for this variant (Variation ID: 292519). Advanced modeling of protein sequence and biophysical properties (such as structural, functional, and spatial information, amino acid conservation, physicochemical variation, residue mobility, and thermodynamic stability) performed at Invitae indicates that this missense variant is not expected to disrupt ADAMTSL4 protein function. In summary, the available evidence is currently insufficient to determine the role of this variant in disease. Therefore, it has been classified as a Variant of Uncertain Significance.

Illumina Laboratory Services, Illumina
Classification: Uncertain significance for Ectopia lentis 2, isolated, autosomal recessive. Last evaluated: 2018-01-12. Review status: criteria provided, single submitter. Criteria: ICSL Variant Classification Criteria 13 December 2019. Collection method: clinical testing. Allele origin: germline.

NM_019032.6(ADAMTSL4):c.514C>T (p.Arg172Cys)

Genes: ADAMTSL4 (ADAMTS like 4; plus strand), ADAMTSL4-AS2 (ADAMTSL4 antisense RNA 2; minus strand). Cytogenetic location: 1q21.2.
Variant type: single nucleotide variant.
Coding change: c.514C>T on transcript NM_019032.6 (MANE Select); coding-DNA position 514, C replaced by T.
Protein change: p.Arg172Cys; replaces arginine 172 with cysteine.
Molecular consequence: missense variant.
Genome position (GRCh38, 1-based): chr1:150,553,505, C>T. VCF-style: chr1-150553505-C-T. GRCh37 (hg19) VCF-style: chr1-150525981-C-T.
Other names: c.514C>T, p.Arg172Cys (NM_001288607.2, NM_001288608.2, NM_001378596.1 and 1 more transcripts); short protein forms R172C.
Identifiers: ClinVar variation 292519 (VCV000292519.10), dbSNP rs375564357, ClinGen allele CA1077979.